The following is an entry in ClinVar:

ClinVar aggregate classification (germline): Uncertain significance (1 of 4 stars; one submission).

Submission:

Labcorp Genetics (formerly Invitae), Labcorp
Classification: Uncertain significance. Last evaluated: 2021-04-18. Review status: criteria provided, single submitter. Criteria: Invitae Variant Classification Sherloc (09022015). Collection method: clinical testing. Allele origin: germline.
Comment: In summary, the available evidence is currently insufficient to determine the role of this variant in disease. Therefore, it has been classified as a Variant of Uncertain Significance. Algorithms developed to predict the effect of missense changes on protein structure and function (SIFT, PolyPhen-2, Align-GVGD) all suggest that this variant is likely to be tolerated, but these predictions have not been confirmed by published functional studies and their clinical significance is uncertain. This variant has not been reported in the literature in individuals with GPAA1-related conditions. This variant is not present in population databases (ExAC no frequency). This sequence change replaces glutamic acid with aspartic acid at codon 462 of the GPAA1 protein (p.Glu462Asp). The glutamic acid residue is moderately conserved and there is a small physicochemical difference between glutamic acid and aspartic acid.

NM_003801.4(GPAA1):c.1386G>C (p.Glu462Asp)

Gene: GPAA1 (glycosylphosphatidylinositol anchor attachment 1; plus strand). Cytogenetic location: 8q24.3.
Variant type: single nucleotide variant.
Coding change: c.1386G>C on transcript NM_003801.4 (MANE Select); coding-DNA position 1386, G replaced by C.
Protein change: p.Glu462Asp; replaces glutamic acid 462 with aspartic acid.
Molecular consequence: missense variant.
Genome position (GRCh38, 1-based): chr8:144,085,414, G>C. VCF-style: chr8-144085414-G-C. GRCh37 (hg19) VCF-style: chr8-145140317-G-C.
Other names: short protein forms E462D.
Identifiers: ClinVar variation 1388820 (VCV001388820.8), dbSNP rs782380844, ClinGen allele CA372504629.
Genomic context (GRCh38, chr8:144,085,414, plus strand): 5'-TGTCCTGCCAGTGCTGGGCCAACACGTTGCCACCCAGCACTTCCCAGTGGCAGAGGCTGA[G>C]GCTGTGGTGCTGACACTGCTGGCGATTTATGCAGCTGGCCTGGCCCTGCCCCACAATACC-3'
Protein context (NP_003792.1, residues 452-472): ATQHFPVAEA[Glu462Asp]AVVLTLLAIY